The following is an entry in ClinVar:

NM_145059.3(FCSK):c.1748C>T (p.Pro583Leu)

Gene: FCSK (fucose kinase; plus strand). Cytogenetic location: 16q22.1.
Variant type: single nucleotide variant.
Coding change: c.1748C>T on transcript NM_145059.3 (MANE Select); coding-DNA position 1748, C replaced by T.
Protein change: p.Pro583Leu; replaces proline 583 with leucine.
Molecular consequence: missense variant.
Genome position (GRCh38, 1-based): chr16:70,473,324, C>T. VCF-style: chr16-70473324-C-T. GRCh37 (hg19) VCF-style: chr16-70507227-C-T.
Other names: short protein forms P583L.
Identifiers: ClinVar variation 2557790 (VCV002557790.5), dbSNP rs2048694391, ClinGen allele CA396571024.

ClinVar aggregate classification (germline): Uncertain significance. Review status: criteria provided, multiple submitters, no conflicts (2 of 4 stars). 2 submissions from 2 submitters: Uncertain significance (2). Last evaluated 2023-06-06.

Allele frequency attached by ClinVar (database versions not stated): gnomAD exomes below 0.00001.
gnomAD v4.1: 1 of 1,513,622 alleles (0.000066%); highest among the groups gnomAD compares: Non-Finnish European, 0.000089%; no homozygotes.

Submissions (2):

Ambry Genetics
Classification: Uncertain significance. Last evaluated: 2023-06-06. Review status: criteria provided, single submitter. Criteria: Ambry Variant Classification Scheme 2023. Collection method: clinical testing. Allele origin: germline.

Labcorp Genetics (formerly Invitae), Labcorp
Classification: Uncertain significance. Last evaluated: 2023-01-30. Review status: criteria provided, single submitter. Criteria: Invitae Variant Classification Sherloc (09022015). Collection method: clinical testing. Allele origin: germline.
Comment: This sequence change replaces proline, which is neutral and non-polar, with leucine, which is neutral and non-polar, at codon 583 of the FUK protein (p.Pro583Leu). This variant is not present in population databases (gnomAD no frequency). In summary, the available evidence is currently insufficient to determine the role of this variant in disease. Therefore, it has been classified as a Variant of Uncertain Significance. Algorithms developed to predict the effect of missense changes on protein structure and function (SIFT, PolyPhen-2, Align-GVGD) all suggest that this variant is likely to be tolerated. This variant has not been reported in the literature in individuals affected with FUK-related conditions.